The following is an entry in ClinVar:

NM_017617.5(NOTCH1):c.3016A>T (p.Thr1006Ser)

Gene: NOTCH1 (notch receptor 1; minus strand). Cytogenetic location: 9q34.3.
Variant type: single nucleotide variant.
Coding change: c.3016A>T on transcript NM_017617.5 (MANE Select); coding-DNA position 3016, A replaced by T.
Protein change: p.Thr1006Ser; replaces threonine 1006 with serine.
Molecular consequence: missense variant.
Genome position (GRCh38, 1-based): chr9:136,509,025, T>A on the plus strand (A>T on the coding strand, the complement: NOTCH1 is on the minus strand). VCF-style: chr9-136509025-T-A. GRCh37 (hg19) VCF-style: chr9-139403477-T-A.
Other names: short protein forms T1006S.
Identifiers: ClinVar variation 2120083 (VCV002120083.4), dbSNP rs1589061437, ClinGen allele CA375553028.

ClinVar aggregate classification (germline): Uncertain significance (1 of 4 stars; one submission).

Conditions:
Adams-Oliver syndrome 5 (AOS5). Identifiers: Orphanet 974, MedGen C4014970, MONDO:0014459, OMIM 616028.

Submission:

Labcorp Genetics (formerly Invitae), Labcorp
Classification: Uncertain significance for Adams-Oliver syndrome 5. Last evaluated: 2022-05-21. Review status: criteria provided, single submitter. Criteria: Invitae Variant Classification Sherloc (09022015). Collection method: clinical testing. Allele origin: germline.
Comment: In summary, the available evidence is currently insufficient to determine the role of this variant in disease. Therefore, it has been classified as a Variant of Uncertain Significance. Advanced modeling of protein sequence and biophysical properties (such as structural, functional, and spatial information, amino acid conservation, physicochemical variation, residue mobility, and thermodynamic stability) performed at Invitae indicates that this missense variant is not expected to disrupt NOTCH1 protein function. This variant has not been reported in the literature in individuals affected with NOTCH1-related conditions. This variant is not present in population databases (gnomAD no frequency). This sequence change replaces threonine, which is neutral and polar, with serine, which is neutral and polar, at codon 1006 of the NOTCH1 protein (p.Thr1006Ser).